The following is an entry in ClinVar:

NM_001042492.3(NF1):c.1392+2T>C

Gene: NF1 (neurofibromin 1; plus strand). Cytogenetic location: 17q11.2.
Variant type: single nucleotide variant.
Coding change: c.1392+2T>C on transcript NM_001042492.3 (MANE Select); the canonical splice donor site of the intron after coding-DNA position 1392, T replaced by C.
Molecular consequence: splice donor variant.
Genome position (GRCh38, 1-based): chr17:31,206,373, T>C. VCF-style: chr17-31206373-T-C. GRCh37 (hg19) VCF-style: chr17-29533391-T-C.
Other names: c.1392+2T>C (NM_001042492.2, NM_000267.4, NM_001128147.3).
Identifiers: ClinVar variation 457532 (VCV000457532.7), dbSNP rs1555611610, ClinGen allele CA398999983.
Genomic context (GRCh38, chr17:31,206,373, plus strand): 5'-AAACACTTCATAAAGCAGTGCAAGGTTGTGGAGCACACCCAGCAATACGAATGGCACCGG[T>C]AAGATAAATCACGAATTTTGAATCTCACCTCCTTTCTATTGCATTTTTTTTAGTGTCTTT-3'

ClinVar aggregate classification (germline): Pathogenic/Likely pathogenic. Review status: criteria provided, multiple submitters, no conflicts (2 of 4 stars). 3 submissions from 3 submitters: Pathogenic (2); Likely pathogenic (1). Last evaluated 2025-06-13.

Conditions:
NF1-related disorder. Also called: NF1-related condition. Identifiers: MedGen CN379171.
Neurofibromatosis, type 1 (NF1). Also called: Peripheral type neurofibromatosis; VON RECKLINGHAUSEN DISEASE; NEUROFIBROMATOSIS, TYPE I, SOMATIC; Neurofibromatosis, type I. Identifiers: Orphanet 636, MedGen C0027831, MONDO:0018975, OMIM 162200. Disease mechanism: loss of function.

Submissions (3):

PreventionGenetics, part of Exact Sciences
Classification: Pathogenic for NF1-related condition. Last evaluated: 2025-06-13. Review status: criteria provided, single submitter. Criteria: ACMG Guidelines, 2015. Collection method: clinical testing. Allele origin: germline.
Comment: The NF1 c.1392+2T>C variant is predicted to disrupt the GT donor site and interfere with normal splicing. This variant has been reported in individuals with clinical features consistent with neurofibromatosis type 1 (Bonatti et al. 2017. PubMed ID: 28961165; De Luca et al. 2004. PubMed ID: 15146469; Sabbagh et al. 2013. PubMed ID: 23913538; Trevisson et al. 2013. PubMed ID: 23621909). This variant has not been reported in a large population database (gnomAD), indicating this variant is rare, and is classified as pathogenic in ClinVar. Variants impacting the canonical splice site are expected to result in a loss of NF1 protein function and loss-of-function variants are expected to be pathogenic (Fahsold et al. 2000. PubMed ID: 10712197; Baralle et al. 2005. PubMed ID: 16199547). This variant is interpreted as pathogenic.

Quest Diagnostics Nichols Institute San Juan Capistrano
Classification: Likely pathogenic. Last evaluated: 2024-09-11. Review status: criteria provided, single submitter. Criteria: Quest Diagnostics criteria. Collection method: clinical testing. Allele origin: unknown.
Comment: The NF1 c.1392+2T>C variant disrupts a canonical splice-donor site and is predicted to interfere with normal NF1 mRNA splicing. This variant has not been reported in individuals with NF1-related conditions in the published literature. This variant has not been reported in large, multi-ethnic general populations (Genome Aggregation Database). However, other variants located in this splice site region have been observed in individuals with neurofibromatosis 1 (NF1) (PMID: 15146469 (2004), 23913538 (2013)). Based on the available information, this variant is classified as likely pathogenic.

Labcorp Genetics (formerly Invitae), Labcorp
Classification: Pathogenic for Neurofibromatosis, type 1. Last evaluated: 2022-07-06. Review status: criteria provided, single submitter. Criteria: Invitae Variant Classification Sherloc (09022015). Collection method: clinical testing. Allele origin: germline.
Comment: This sequence change affects a donor splice site in intron 12 of the NF1 gene. It is expected to disrupt RNA splicing. Variants that disrupt the donor or acceptor splice site typically lead to a loss of protein function (PMID: 16199547), and loss-of-function variants in NF1 are known to be pathogenic (PMID: 10712197, 23913538). For these reasons, this variant has been classified as Pathogenic. Algorithms developed to predict the effect of sequence changes on RNA splicing suggest that this variant may disrupt the consensus splice site. ClinVar contains an entry for this variant (Variation ID: 457532). Disruption of this splice site has been observed in individual(s) with neurofibromatosis type 1 (PMID: 15146469, 23621909, 23913538, 28961165). This variant is not present in population databases (gnomAD no frequency).

Literature cited by the submitters: PubMed 23913538 (cited by Quest Diagnostics Nichols Institute San Juan Capistrano and Labcorp Genetics (formerly Invitae), Labcorp); PubMed 15146469 (cited by Quest Diagnostics Nichols Institute San Juan Capistrano and Labcorp Genetics (formerly Invitae), Labcorp); PubMed 16199547 (cited by Labcorp Genetics (formerly Invitae), Labcorp); PubMed 10712197 (cited by Labcorp Genetics (formerly Invitae), Labcorp); PubMed 23621909 (cited by Labcorp Genetics (formerly Invitae), Labcorp); PubMed 28961165 (cited by Labcorp Genetics (formerly Invitae), Labcorp).